The following is an entry in ClinVar:

ClinVar aggregate classification (germline): Benign. Review status: criteria provided, single submitter (1 of 4 stars). 2 submissions from 2 submitters: Benign (1). 1 of the submissions does not count toward it.

Allele frequency attached by ClinVar (database versions not stated): gnomAD exomes 0.07577 and 0.07657; ExAC 0.09250; 1000 Genomes Project 0.09844; TOPMed 0.10073; gnomAD 0.10174 and 0.10343; 1000 Genomes Project 30x 0.10259; ESP Exome Variant Server 0.10585.
gnomAD v4.1: 127,325 of 1,611,076 alleles (7.9%); highest among the groups gnomAD compares: African/African-American, 18%; 5,591 homozygotes.

Submissions (2):

Breakthrough Genomics
Classification: Benign. Review status: criteria provided, single submitter. Criteria: ACMG Guidelines, 2015. Collection method: not provided. Allele origin: germline. Inheritance: Autosomal recessive inheritance. Affected: yes.

Genetic Services Laboratory, University of Chicago
Classification: Likely benign for AllHighlyPenetrant. Review status: no assertion criteria provided. Collection method: clinical testing. Allele origin: germline. Inheritance: Autosomal recessive inheritance. Not counted in ClinVar's aggregate classification.
Comment: Likely benign based on allele frequency in 1000 Genomes Project or ESP global frequency and its presence in a patient with a rare or unrelated disease phenotype. NOT Sanger confirmed.

NM_138501.6(TECR):c.822C>T (p.Gly274=)

Gene: TECR (trans-2,3-enoyl-CoA reductase; plus strand). Cytogenetic location: 19p13.12.
Variant type: single nucleotide variant.
Coding change: c.822C>T on transcript NM_138501.6 (MANE Select); coding-DNA position 822, C replaced by T.
Protein change: p.Gly274=; no amino-acid change (glycine 274 retained).
Molecular consequence: synonymous variant.
Genome position (GRCh38, 1-based): chr19:14,565,766, C>T. VCF-style: chr19-14565766-C-T. GRCh37 (hg19) VCF-style: chr19-14676578-C-T.
Other names: c.867C>T, p.Gly289= (NM_001321170.1).
Identifiers: ClinVar variation 130583 (VCV000130583.7), dbSNP rs61732092, ClinGen allele CA155706.